The following is an entry in ClinVar:

NM_020376.4(PNPLA2):c.1429C>G (p.Pro477Ala)

Gene: PNPLA2 (patatin like domain 2, triacylglycerol lipase; plus strand). Cytogenetic location: 11p15.5.
Variant type: single nucleotide variant.
Coding change: c.1429C>G on transcript NM_020376.4 (MANE Select); coding-DNA position 1429, C replaced by G.
Protein change: p.Pro477Ala; replaces proline 477 with alanine.
Molecular consequence: missense variant.
Genome position (GRCh38, 1-based): chr11:824,776, C>G. VCF-style: chr11-824776-C-G. GRCh37 (hg19) VCF-style: chr11-824776-C-G.
Other names: short protein forms P477A.
Identifiers: ClinVar variation 850405 (VCV000850405.7), dbSNP rs764557634, ClinGen allele CA5791407.

ClinVar aggregate classification (germline): Uncertain significance (1 of 4 stars; one submission).

Conditions:
Neutral lipid storage myopathy (NLSDM). Also called: NEUTRAL LIPID STORAGE DISEASE WITHOUT ICHTHYOSIS. Identifiers: Orphanet 98908, MedGen C1853136, MONDO:0012545, OMIM 610717.

Allele frequency attached by ClinVar (database versions not stated): ExAC below 0.00001; TOPMed 0.00001; gnomAD exomes 0.00003.

Submission:

Labcorp Genetics (formerly Invitae), Labcorp
Classification: Uncertain significance for Neutral lipid storage myopathy. Last evaluated: 2022-03-11. Review status: criteria provided, single submitter. Criteria: Invitae Variant Classification Sherloc (09022015). Collection method: clinical testing. Allele origin: germline.
Comment: This sequence change replaces proline, which is neutral and non-polar, with alanine, which is neutral and non-polar, at codon 477 of the PNPLA2 protein (p.Pro477Ala). This variant is present in population databases (rs764557634, gnomAD 0.05%). This variant has not been reported in the literature in individuals affected with PNPLA2-related conditions. ClinVar contains an entry for this variant (Variation ID: 850405). Algorithms developed to predict the effect of missense changes on protein structure and function (SIFT, PolyPhen-2, Align-GVGD) all suggest that this variant is likely to be tolerated. In summary, the available evidence is currently insufficient to determine the role of this variant in disease. Therefore, it has been classified as a Variant of Uncertain Significance.